The following is an entry in ClinVar:

NM_001159699.2(FHL1):c.588_597del (p.Trp197fs)

Gene: FHL1 (four and a half LIM domains 1; plus strand). Cytogenetic location: Xq26.3.
Variant type: Deletion.
Coding change: c.588_597del on transcript NM_001159699.2 (MANE Select); coding-DNA positions 588 to 597, 10 bases deleted (CTGGCATGCC; older notation c.588_597delCTGGCATGCC).
Protein change: p.Trp197fs; shifts the reading frame from tryptophan 197.
Molecular consequence: frameshift variant. On other transcripts: non-coding transcript variant (1), intron variant (2).
Genome position (GRCh38, 1-based): chrX:136,208,493-136,208,502, CTGGCATGCC deleted; deleting any 10 consecutive bases within chrX:136,208,490-136,208,502 gives the same sequence; the c. name uses the placement nearest the transcript's 3' end. VCF-style (leftmost placement, unchanged base first): chrX-136208489-AGCCCTGGCAT-A. GRCh37 (hg19) VCF-style: chrX-135290648-AGCCCTGGCAT-A.
Other names: c.540_549del, p.Trp181fs (NM_001159700.2, NM_001159702.3, NM_001159704.1 and 8 more transcripts); c.627_636del, p.Trp210fs (NM_001159701.2); c.588_597del, p.Trp197fs (NM_001440769.1); c.501+532_501+541del (NM_001159703.2); c.549+532_549+541del (NM_001330659.2); short protein forms W197fs, W210fs, W181fs.
Identifiers: ClinVar variation 4732280 (VCV004732280.1).

ClinVar aggregate classification (germline): Pathogenic (1 of 4 stars; one submission).

Conditions:
X-linked myopathy with postural muscle atrophy. Also called: FHL1-Related Emery-Dreifuss Muscular Dystrophy, X-Linked. Identifiers: Orphanet 178461, MedGen C2678055, MONDO:0010401, OMIM 300696.

Submission:

Labcorp Genetics (formerly Invitae), Labcorp
Classification: Pathogenic for X-linked myopathy with postural muscle atrophy. Last evaluated: 2025-12-01. Review status: criteria provided, single submitter. Criteria: Invitae Variant Classification Sherloc (09022015). Collection method: clinical testing. Allele origin: germline.
Comment: This sequence change creates a premature translational stop signal (p.Trp181Ilefs*74) in the FHL1 gene. While this is not anticipated to result in nonsense mediated decay, it is expected to disrupt the last 100 amino acid(s) of the FHL1 protein. This variant is not present in population databases (gnomAD no frequency). This variant has not been reported in the literature in individuals affected with FHL1-related conditions. This variant disrupts a region of the FHL1 protein in which other variant(s) (p.Cys276Tyr) have been determined to be pathogenic (PMID: 19716112). This suggests that this is a clinically significant region of the protein, and that variants that disrupt it are likely to be disease-causing. For these reasons, this variant has been classified as Pathogenic.

Literature cited by the submitters: PubMed 19716112.